The following is an entry in ClinVar:

NM_000321.3(RB1):c.43_80del (p.Ala15fs)

Gene: RB1 (RB transcriptional corepressor 1; plus strand). Cytogenetic location: 13q14.2.
Variant type: Deletion.
Coding change: c.43_80del on transcript NM_000321.3 (MANE Select); coding-DNA positions 43 to 80, 38 bases deleted.
Protein change: p.Ala15fs; shifts the reading frame from alanine 15.
Molecular consequence: frameshift variant.
Genome position (GRCh38, 1-based): chr13:48,303,955-48,303,992, 38 bases deleted; deleting any 38 consecutive bases within chr13:48,303,947-48,303,992 gives the same sequence; the c. name uses the placement nearest the transcript's 3' end. GRCh37 (hg19): chr13:48,878,091-48,878,128.
Other names: c.43_80del38 (NM_000321.2); short protein forms A15fs.
Identifiers: ClinVar variation 1070330 (VCV001070330.10), dbSNP rs2138027218, ClinGen allele CA2499222421.
Genomic context (GRCh38, chr13:48,303,946, plus strand): 5'-CGCTGGCTCCCGCCGCGGAAAGGCGTCATGCCGCCCAAAACCCCCCGAAAAACGGCCGCC[ACCGCCGCCGCTGCCGCCGCGGAACCCCCGGCACCGCCG>A]CCGCCGCCCCCTCCTGAGGAGGACCCAGAGCAGGACAGCGGCCCGGAGGACCTGCCTCTC-3'

ClinVar aggregate classification (germline): Pathogenic. Review status: criteria provided, multiple submitters, no conflicts (2 of 4 stars). 2 submissions from 2 submitters: Pathogenic (2). Last evaluated 2025-07-02.

Conditions:
Hereditary cancer-predisposing syndrome. Also called: Hereditary neoplastic syndrome; Tumor predisposition; Hereditary Cancer Syndrome; Neoplastic Syndromes, Hereditary. Identifiers: Orphanet 140162, MedGen C0027672, MeSH D009386, MONDO:0015356.
Retinoblastoma (RB1). Also called: RETINOBLASTOMA, SOMATIC. Identifiers: Orphanet 790, MedGen C0035335, MeSH D012175, MONDO:0008380, OMIM 180200, HP:0009919. Disease mechanism: loss of function. Inheritance: Both sporadic and heritable forms are tested..

Submissions (2):

Ambry Genetics
Classification: Pathogenic for Hereditary cancer-predisposing syndrome. Last evaluated: 2025-07-02. Review status: criteria provided, single submitter. Criteria: Ambry Variant Classification Scheme 2023. Collection method: clinical testing. Allele origin: germline.
Comment: The c.43_80del38 pathogenic mutation, located in coding exon 1 of the RB1 gene, results from a deletion of 38 nucleotides at nucleotide positions 43 to 80, causing a translational frameshift with a predicted alternate stop codon (p.A15Pfs*3). This variant was reported in individual(s) with features consistent with RB1-related hereditary retinoblastoma (Price EA et al. J Med Genet. 2014 Mar;51:208-14). This variant is considered to be rare based on population cohorts in the Genome Aggregation Database (gnomAD). This alteration is expected to result in loss of function by premature protein truncation or nonsense-mediated mRNA decay. As such, this alteration is interpreted as a disease-causing mutation.

Labcorp Genetics (formerly Invitae), Labcorp
Classification: Pathogenic for Retinoblastoma. Last evaluated: 2023-09-27. Review status: criteria provided, single submitter. Criteria: Invitae Variant Classification Sherloc (09022015). Collection method: clinical testing. Allele origin: germline.
Comment: This sequence change creates a premature translational stop signal (p.Ala15Profs*3) in the RB1 gene. It is expected to result in an absent or disrupted protein product. Loss-of-function variants in RB1 are known to be pathogenic (PMID: 17096365). This variant is not present in population databases (gnomAD no frequency). This premature translational stop signal has been observed in individual(s) with retinoblastoma (PMID: 24225018). ClinVar contains an entry for this variant (Variation ID: 1070330). For these reasons, this variant has been classified as Pathogenic.

Literature cited by the submitters: PubMed 24225018 (cited by Ambry Genetics and Labcorp Genetics (formerly Invitae), Labcorp); PubMed 17096365 (cited by Labcorp Genetics (formerly Invitae), Labcorp).